The following is an entry in ClinVar:

ClinVar aggregate classification (germline): Uncertain significance (1 of 4 stars; one submission).

Allele frequency attached by ClinVar (database versions not stated): TOPMed below 0.00001; gnomAD 0.00001.
gnomAD v4.1: 1 of 1,613,074 alleles (0.000062%); highest among the groups gnomAD compares: Non-Finnish European, 0.000085%; no homozygotes.

Submission:

Labcorp Genetics (formerly Invitae), Labcorp
Classification: Uncertain significance. Last evaluated: 2021-07-28. Review status: criteria provided, single submitter. Criteria: Invitae Variant Classification Sherloc (09022015). Collection method: clinical testing. Allele origin: germline.
Comment: This sequence change replaces serine with phenylalanine at codon 329 of the CEP250 protein (p.Ser329Phe). The serine residue is moderately conserved and there is a large physicochemical difference between serine and phenylalanine. This variant is not present in population databases (ExAC no frequency). This variant has not been reported in the literature in individuals affected with CEP250-related conditions. Algorithms developed to predict the effect of missense changes on protein structure and function are either unavailable or do not agree on the potential impact of this missense change (SIFT: "Not Available"; PolyPhen-2: "Probably Damaging"; Align-GVGD: "Not Available"). In summary, the available evidence is currently insufficient to determine the role of this variant in disease. Therefore, it has been classified as a Variant of Uncertain Significance.

NM_007186.6(CEP250):c.986C>T (p.Ser329Phe)

Genes: CEP250 (centrosomal protein 250; plus strand), CEP250-AS1 (CEP250 antisense RNA 1; minus strand). Cytogenetic location: 20q11.22.
Variant type: single nucleotide variant.
Coding change: c.986C>T on transcript NM_007186.6 (MANE Select); coding-DNA position 986, C replaced by T.
Protein change: p.Ser329Phe; replaces serine 329 with phenylalanine.
Molecular consequence: missense variant. On other transcripts: 5 prime UTR variant (1).
Genome position (GRCh38, 1-based): chr20:35,472,087, C>T. VCF-style: chr20-35472087-C-T. GRCh37 (hg19) VCF-style: chr20-34059912-C-T.
Other names: c.-914C>T (NM_001318219.1); short protein forms S329F.
Identifiers: ClinVar variation 1370659 (VCV001370659.1), dbSNP rs2063037729, ClinGen allele CA408758908.